The following is an entry in ClinVar:

ClinVar aggregate classification (germline): Benign/Likely benign. Review status: criteria provided, multiple submitters, no conflicts (2 of 4 stars). 4 submissions from 4 submitters: Benign (1); Likely benign (3). Last evaluated 2026-01-28.

Conditions:
Nemaline myopathy 2 (NEM2). Also called: Nemaline myopathy 2, autosomal recessive. Identifiers: MedGen C1850569, MONDO:0009725, OMIM 256030.

Allele frequency attached by ClinVar (database versions not stated): gnomAD exomes 0.00019 and 0.00068; ExAC 0.00095; gnomAD 0.00231 and 0.00244; TOPMed 0.00254; 1000 Genomes Project 30x 0.00328; 1000 Genomes Project 0.00339; ESP Exome Variant Server 0.00343.
gnomAD v4.1: 642 of 1,602,444 alleles (0.04%); highest among the groups gnomAD compares: African/African-American, 0.78%; 4 homozygotes.

Submissions (4):

Labcorp Genetics (formerly Invitae), Labcorp
Classification: Benign for Nemaline myopathy 2. Last evaluated: 2026-01-28. Review status: criteria provided, single submitter. Criteria: Invitae Variant Classification Sherloc (09022015). Collection method: clinical testing. Allele origin: germline.

Blueprint Genetics
Classification: Likely benign. Last evaluated: 2024-07-04. Review status: criteria provided, single submitter. Criteria: ACMG Guidelines, 2015. Collection method: clinical testing. Allele origin: germline.

Illumina Laboratory Services, Illumina
Classification: Likely benign for Nemaline myopathy 2. Last evaluated: 2018-01-12. Review status: criteria provided, single submitter. Criteria: ICSL Variant Classification Criteria 13 December 2019. Collection method: clinical testing. Allele origin: germline.
Comment: This variant was observed in the ICSL laboratory as part of a predisposition screen in an ostensibly healthy population. It had not been previously curated by ICSL or reported in the Human Gene Mutation Database (HGMD: prior to June 1st, 2018), and was therefore a candidate for classification through an automated scoring system. Utilizing variant allele frequency, disease prevalence and penetrance estimates, and inheritance mode, an automated score was calculated to assess if this variant is too frequent to cause the disease. Based on the score and internal cut-off values, a variant classified as likely benign is not then subjected to further curation. The score for this variant resulted in a classification of likely benign for this disease.

GeneDx
Classification: Likely benign. Last evaluated: 2016-05-04. Review status: criteria provided, single submitter. Criteria: GeneDx Variant Classification (06012015). Collection method: clinical testing. Allele origin: germline. Affected: yes.
Comment: This variant is considered likely benign or benign based on one or more of the following criteria: it is a conservative change, it occurs at a poorly conserved position in the protein, it is predicted to be benign by multiple in silico algorithms, and/or has population frequency not consistent with disease.

NM_001164508.2(NEB):c.20682+13G>A

Gene: NEB (nebulin; minus strand). Cytogenetic location: 2q23.3.
Variant type: single nucleotide variant.
Coding change: c.20682+13G>A on transcript NM_001164508.2 (MANE Select); 13 bases into the intron after coding-DNA position 20682, G replaced by A.
Molecular consequence: intron variant.
Genome position (GRCh38, 1-based): chr2:151,541,434, C>T on the plus strand (G>A on the coding strand, the complement: NEB is on the minus strand). VCF-style: chr2-151541434-C-T. GRCh37 (hg19) VCF-style: chr2-152397948-C-T.
Other names: c.15579+13G>A (NM_004543.5); c.20682+13G>A (NM_001164507.2, NM_001271208.2).
Identifiers: ClinVar variation 385505 (VCV000385505.13), dbSNP rs189918704, ClinGen allele CA1907193.